The following is an entry in ClinVar:

NM_004415.4(DSP):c.1806T>C (p.Asp602=)

Gene: DSP (desmoplakin; plus strand). Cytogenetic location: 6p24.3.
Variant type: single nucleotide variant.
Coding change: c.1806T>C on transcript NM_004415.4 (MANE Select); coding-DNA position 1806, T replaced by C.
Protein change: p.Asp602=; no amino-acid change (aspartic acid 602 retained).
Molecular consequence: synonymous variant.
Genome position (GRCh38, 1-based): chr6:7,571,487, T>C. VCF-style: chr6-7571487-T-C. GRCh37 (hg19) VCF-style: chr6-7571720-T-C.
Other names: c.1806T>C (NM_004415.3, LRG_423t1); c.1806T>C, p.Asp602= (NM_001008844.3, NM_001319034.2).
Identifiers: ClinVar variation 465884 (VCV000465884.22), dbSNP rs560969680, ClinGen allele CA030092.

ClinVar aggregate classification (germline): Benign/Likely benign. Review status: criteria provided, multiple submitters, no conflicts (2 of 4 stars). 6 submissions from 6 submitters: Benign (1); Likely benign (4). 1 of the submissions does not count toward it. Last evaluated 2025-12-03.

Conditions:
Arrhythmogenic right ventricular dysplasia 8 (ARVD8). Also called: Arrhythmogenic Right Ventricular Dysplasia/Cardiomyopathy 8; ARRHYTHMOGENIC RIGHT VENTRICULAR DYSPLASIA, FAMILIAL, 8; ARRHYTHMOGENIC RIGHT VENTRICULAR CARDIOMYOPATHY 8. Identifiers: MedGen C1843896, MONDO:0011831, OMIM 607450.
Arrhythmogenic cardiomyopathy with wooly hair and keratoderma. Also called: Carvajal syndrome; Dilated cardiomyopathy with woolly hair and keratoderma; Arrhythmogenic cardiomyopathy with woolly hair and keratoderma; PALMOPLANTAR KERATODERMA WITH LEFT VENTRICULAR CARDIOMYOPATHY AND WOOLLY HAIR. Identifiers: Orphanet 65282, MedGen C1854063, MONDO:0011581, OMIM 605676.
DSP-related disorder. Also called: DSP-related condition; DSP-related disorders.
Cardiovascular phenotype. Identifiers: MedGen CN230736.
Cardiomyopathy (CMYO). Also called: Cardiomyopathies. Identifiers: Orphanet 167848, MedGen C0878544, MONDO:0004994, HP:0001638. Inheritance: Various modes of inheritance.

Allele frequency attached by ClinVar (database versions not stated): gnomAD below 0.00001 and 0.00003; TOPMed below 0.00001; gnomAD exomes 0.00006 and 0.00012; ExAC 0.00015; 1000 Genomes Project 30x 0.00016; 1000 Genomes Project 0.00020.
gnomAD v4.1: 98 of 1,614,224 alleles (0.0061%); highest among the groups gnomAD compares: South Asian, 0.088%; 1 homozygote.

Submissions (6):

Labcorp Genetics (formerly Invitae), Labcorp
Classification: Benign for Arrhythmogenic cardiomyopathy with wooly hair and keratoderma; Arrhythmogenic right ventricular dysplasia 8. Last evaluated: 2025-12-03. Review status: criteria provided, single submitter. Criteria: Invitae Variant Classification Sherloc (09022015). Collection method: clinical testing. Allele origin: germline.

ARUP Laboratories, Molecular Genetics and Genomics, ARUP Laboratories
Classification: Likely benign. Last evaluated: 2025-04-09. Review status: criteria provided, single submitter. Criteria: ARUP Molecular Germline Variant Investigation Process 2024. Collection method: clinical testing. Allele origin: germline.

Blueprint Genetics
Classification: Likely benign. Last evaluated: 2024-04-29. Review status: criteria provided, single submitter. Criteria: ACMG Guidelines, 2015. Collection method: clinical testing. Allele origin: germline.

Color Diagnostics, LLC DBA Color Health
Classification: Likely benign for Cardiomyopathy. Last evaluated: 2018-12-03. Review status: criteria provided, single submitter. Criteria: ACMG Guidelines, 2015. Collection method: clinical testing. Allele origin: germline.

Ambry Genetics
Classification: Likely benign for Cardiovascular phenotype. Last evaluated: 2017-10-14. Review status: criteria provided, single submitter. Criteria: Ambry Variant Classification Scheme 2023. Collection method: clinical testing. Allele origin: germline.

PreventionGenetics, part of Exact Sciences
Classification: Likely benign for DSP-related condition. Last evaluated: 2019-02-20. Review status: no assertion criteria provided. Collection method: clinical testing. Allele origin: germline. Not counted in ClinVar's aggregate classification.
Comment: This variant is classified as likely benign based on ACMG/AMP sequence variant interpretation guidelines (Richards et al. 2015 PMID: 25741868, with internal and published modifications).